The following is an entry in ClinVar:

NC_000008.10:g.(?_37595441)_(38961219_?)dup

Genes: ADGRA2 (adhesion G protein-coupled receptor A2; plus strand), BAG4 (BAG cochaperone 4; plus strand), TACC1 (transforming acidic coiled-coil containing protein 1; plus strand), LETM2 (leucine zipper and EF-hand containing transmembrane protein 2; plus strand), FGFR1 (fibroblast growth factor receptor 1; minus strand) and 18 more. Cytogenetic location: 8p11.23-11.22.
Variant type: Duplication.
Identifiers: ClinVar variation 2425692 (VCV002425692.4).

ClinVar aggregate classification (germline): Uncertain significance. Review status: criteria provided, single submitter (1 of 4 stars). 3 submissions from 1 submitter: Uncertain significance (3). Last evaluated 2023-12-11.

Conditions:
Hypogonadotropic hypogonadism 2 with or without anosmia (HH2). Also called: HYPOGONADOTROPIC HYPOGONADISM 2 WITH OR WITHOUT ANOSMIA, SUSCEPTIBILITY TO; HYPOGONADOTROPIC HYPOGONADISM 2 WITHOUT ANOSMIA, SUSCEPTIBILITY TO; HYPOGONADOTROPIC HYPOGONADISM 2 WITHOUT ANOSMIA; FGFR1-Related GnRH Deficiency (Kallmann Syndrome 2). Identifiers: Orphanet 478, MedGen C1563720, MONDO:0007844, OMIM 147950. Disease mechanism: loss of function.
Pfeiffer syndrome (ACS5). Also called: ACS V. Identifiers: Orphanet 710, MedGen C0220658, MONDO:0007043, OMIM 101600.
Spastic paraplegia. Identifiers: MedGen C0037772, HP:0001258.
Hereditary spastic paraplegia 54. Also called: Spastic paraplegia 54, autosomal recessive. Identifiers: Orphanet 320380, MedGen C3539495, MONDO:0014018, OMIM 615033.

Submissions (3):

Labcorp Genetics (formerly Invitae), Labcorp
Classification: Uncertain significance for Spastic paraplegia. Last evaluated: 2023-12-11. Review status: criteria provided, single submitter. Criteria: Invitae Variant Classification Sherloc (09022015). Collection method: clinical testing. Allele origin: germline.
Comment: A copy number gain of the genomic region encompassing the full coding sequence of the ERLIN2 gene has been identified. The boundaries of this event are unknown as they extend beyond the assayed region for this gene and therefore may encompass additional genes. As the precise location of this event is unknown, it may be in tandem or it may be located elsewhere in the genome. This variant has not been reported in the literature in individuals affected with ERLIN2-related conditions. In summary, the available evidence is currently insufficient to determine the role of this variant in disease. Therefore, it has been classified as a Variant of Uncertain Significance.

Labcorp Genetics (formerly Invitae), Labcorp
Classification: Uncertain significance for Pfeiffer syndrome; Hypogonadotropic hypogonadism 2 with or without anosmia. Last evaluated: 2023-03-31. Review status: criteria provided, single submitter. Criteria: Invitae Variant Classification Sherloc (09022015). Collection method: clinical testing. Allele origin: germline.
Comment: In summary, the available evidence is currently insufficient to determine the role of this variant in disease. Therefore, it has been classified as a Variant of Uncertain Significance. This variant has not been reported in the literature in individuals affected with FGFR1-related conditions. A copy number gain of the genomic region encompassing the full coding sequence of the FGFR1 gene has been identified. The boundaries of this event are unknown as they extend beyond the assayed region for this gene and therefore may encompass additional genes. As the precise location of this event is unknown, it may be in tandem or it may be located elsewhere in the genome.

Labcorp Genetics (formerly Invitae), Labcorp
Classification: Uncertain significance for Hereditary spastic paraplegia 54. Last evaluated: 2022-08-22. Review status: criteria provided, single submitter. Criteria: Invitae Variant Classification Sherloc (09022015). Collection method: clinical testing. Allele origin: germline.
Comment: A copy number gain of the genomic region encompassing the full coding sequence of the DDHD2 gene has been identified. The boundaries of this event are unknown as they extend beyond the assayed region for this gene and therefore may encompass additional genes. As the precise location of this event is unknown, it may be in tandem or it may be located elsewhere in the genome. This variant has not been reported in the literature in individuals affected with DDHD2-related conditions. In summary, the available evidence is currently insufficient to determine the role of this variant in disease. Therefore, it has been classified as a Variant of Uncertain Significance.